The following is an entry in ClinVar:

ClinVar aggregate classification (germline): Uncertain significance (1 of 4 stars; one submission).

Submission:

Labcorp Genetics (formerly Invitae), Labcorp
Classification: Uncertain significance. Last evaluated: 2023-11-28. Review status: criteria provided, single submitter. Criteria: Invitae Variant Classification Sherloc (09022015). Collection method: clinical testing. Allele origin: germline.
Comment: This sequence change replaces glutamine, which is neutral and polar, with histidine, which is basic and polar, at codon 263 of the RELA protein (p.Gln263His). This variant is not present in population databases (gnomAD no frequency). This variant has not been reported in the literature in individuals affected with RELA-related conditions. An algorithm developed to predict the effect of missense changes on protein structure and function (PolyPhen-2) suggests that this variant is likely to be tolerated. In summary, the available evidence is currently insufficient to determine the role of this variant in disease. Therefore, it has been classified as a Variant of Uncertain Significance.

NM_021975.4(RELA):c.789G>T (p.Gln263His)

Gene: RELA (RELA proto-oncogene, NF-kB subunit; minus strand). Cytogenetic location: 11q13.1.
Variant type: single nucleotide variant.
Coding change: c.789G>T on transcript NM_021975.4 (MANE Select); coding-DNA position 789, G replaced by T.
Protein change: p.Gln263His; replaces glutamine 263 with histidine.
Molecular consequence: missense variant. On other transcripts: intron variant (2).
Genome position (GRCh38, 1-based): chr11:65,658,375, C>A on the plus strand (G>T on the coding strand, the complement: RELA is on the minus strand). VCF-style: chr11-65658375-C-A. GRCh37 (hg19) VCF-style: chr11-65425846-C-A.
Other names: c.780G>T, p.Gln260His (NM_001145138.2); c.789G>T, p.Gln263His (NM_001243984.2, NM_001243985.2); c.822G>T, p.Gln274His (NM_001404657.1); c.762G>T, p.Gln254His (NM_001404658.1); c.408G>T, p.Gln136His (NM_001404661.1); c.696G>T, p.Gln232His (NM_001404662.1, NM_001404663.1); c.559+1291G>T (NM_001404660.1); c.664+343G>T (NM_001404659.1); short protein forms Q136H, Q274H, Q254H, Q260H, Q232H, Q263H.
Identifiers: ClinVar variation 2699404 (VCV002699404.3), dbSNP rs2496846550, ClinGen allele CA381390865.